The following is an entry in ClinVar:

NM_004393.6(DAG1):c.644G>A (p.Arg215Gln)

Gene: DAG1 (dystroglycan 1; plus strand). Cytogenetic location: 3p21.31.
Variant type: single nucleotide variant.
Coding change: c.644G>A on transcript NM_004393.6 (MANE Select); coding-DNA position 644, G replaced by A.
Protein change: p.Arg215Gln; replaces arginine 215 with glutamine.
Molecular consequence: missense variant.
Genome position (GRCh38, 1-based): chr3:49,531,155, G>A. VCF-style: chr3-49531155-G-A. GRCh37 (hg19) VCF-style: chr3-49568588-G-A.
Other names: c.644G>A, p.Arg215Gln (NM_001165928.4, NM_001177634.3, NM_001177635.3 and 9 more transcripts); c.644G>A (NM_004393.5); short protein forms R215Q.
Identifiers: ClinVar variation 1011197 (VCV001011197.7), dbSNP rs144753260, ClinGen allele CA2398942.
Genomic context (GRCh38, chr3:49,531,155, plus strand): 5'-TGGATGCCGACCTCACCAAGATGACCCCAAAGCAAAGGATTGACCTCCTGCACAGGATGC[G>A]GAGCTTCTCAGAAGTAGAGCTTCACAACATGAAATTAGTGCCGGTGGTGAATAACAGACT-3'
Protein context (NP_004384.5, residues 205-225): KQRIDLLHRM[Arg215Gln]SFSEVELHNM

ClinVar aggregate classification (germline): Uncertain significance. Review status: criteria provided, multiple submitters, no conflicts (2 of 4 stars). 2 submissions from 2 submitters: Uncertain significance (2). Last evaluated 2023-10-20.

Conditions:
Muscular dystrophy-dystroglycanopathy (congenital with brain and eye anomalies), type A9. Also called: Muscular dystrophy-dystroglycanopathy (congenital with brain and eye anomalies), type a, 9; WALKER-WARBURG SYNDROME OR MUSCLE-EYE BRAIN DISEASE, DAG1-RELATED. Identifiers: Orphanet 370997, Orphanet 899, MedGen C4225291, MONDO:0014683, OMIM 616538.
Autosomal recessive limb-girdle muscular dystrophy type 2P. Also called: MUSCULAR DYSTROPHY, LIMB-GIRDLE, TYPE 2P; Limb-Girdle Muscular Dystrophy Type 9C; MUSCULAR DYSTROPHY-DYSTROGLYCANOPATHY, LIMB-GIRDLE, DAG1-RELATED. Identifiers: Orphanet 280333, MedGen C4511963, MONDO:0013440, OMIM 613818.

Allele frequency attached by ClinVar (database versions not stated): gnomAD 0.00001; gnomAD exomes 0.00001 and 0.00004; TOPMed 0.00002; ExAC 0.00004; ESP Exome Variant Server 0.00008.
gnomAD v4.1: 13 of 1,614,084 alleles (0.00081%); highest among the groups gnomAD compares: African/African-American, 0.0013%; no homozygotes.

Submissions (2):

Labcorp Genetics (formerly Invitae), Labcorp
Classification: Uncertain significance for Autosomal recessive limb-girdle muscular dystrophy type 2P; Muscular dystrophy-dystroglycanopathy (congenital with brain and eye anomalies), type A9. Last evaluated: 2023-10-20. Review status: criteria provided, single submitter. Criteria: Invitae Variant Classification Sherloc (09022015). Collection method: clinical testing. Allele origin: germline.
Comment: This sequence change replaces arginine, which is basic and polar, with glutamine, which is neutral and polar, at codon 215 of the DAG1 protein (p.Arg215Gln). This variant is present in population databases (rs144753260, gnomAD 0.007%). This variant has not been reported in the literature in individuals affected with DAG1-related conditions. ClinVar contains an entry for this variant (Variation ID: 1011197). Advanced modeling of protein sequence and biophysical properties (such as structural, functional, and spatial information, amino acid conservation, physicochemical variation, residue mobility, and thermodynamic stability) performed at Invitae indicates that this missense variant is not expected to disrupt DAG1 protein function. In summary, the available evidence is currently insufficient to determine the role of this variant in disease. Therefore, it has been classified as a Variant of Uncertain Significance.

Revvity Omics, Revvity
Classification: Uncertain significance. Last evaluated: 2019-10-12. Review status: criteria provided, single submitter. Criteria: ACMG Guidelines, 2015. Collection method: clinical testing. Allele origin: germline.